The following is an entry in ClinVar:

NM_005609.4(PYGM):c.1024dup (p.His342fs)

Gene: PYGM (glycogen phosphorylase, muscle associated; minus strand). Cytogenetic location: 11q13.1.
Variant type: Duplication.
Coding change: c.1024dup on transcript NM_005609.4 (MANE Select); coding-DNA position 1024, one base duplicated (C; older notation c.1024dupC).
Protein change: p.His342fs; shifts the reading frame from histidine 342.
Molecular consequence: frameshift variant.
Genome position (GRCh38, 1-based): chr11:64,754,321, G duplicated on the plus strand (C on the coding strand, the reverse complement: PYGM is on the minus strand); the first of 3 consecutive G bases (chr11:64,754,321-64,754,323); duplicating any one gives the same sequence. VCF-style (leftmost placement, unchanged base first): chr11-64754320-T-TG. GRCh37 (hg19) VCF-style: chr11-64521792-T-TG.
Other names: c.760dup, p.His254fs (NM_001164716.1); short protein forms H254fs, H342fs.
Identifiers: ClinVar variation 5012310 (VCV005012310.1).
Genomic context (GRCh38, chr11:64,754,320, plus strand): 5'-CAGTCCATCCGTTCCAGGTCCACCAGGATCCTCATCAGCTCGGGGATGGCCAGGGAGGGG[T>TG]GGGTGTCATTGAGCTGGATGGCCACCTGGGGTAGGGGGAGGGGTCAGTCTGGGCTCCAAA-3'

ClinVar aggregate classification (germline): Pathogenic (1 of 4 stars; one submission).

Conditions:
Glycogen storage disease, type V (GSD5). Also called: MCARDLE DISEASE; MUSCLE GLYCOGEN PHOSPHORYLASE DEFICIENCY; MYOPHOSPHORYLASE DEFICIENCY; PYGM DEFICIENCY; McArdle type glycogen storage disease. Identifiers: Orphanet 368, MedGen C0017924, MONDO:0009293, OMIM 232600.

Submission:

Myriad Genetics, Inc.
Classification: Pathogenic for Glycogen storage disease, type V. Last evaluated: 2023-09-27. Review status: criteria provided, single submitter. Criteria: Myriad Autosomal Dominant, Autosomal Recessive and X-Linked Classification Criteria (2023). Collection method: clinical testing. Allele origin: unknown.
Comment: NM_005609.2(PYGM):c.1024dupC(H342Pfs*133) is expected to be pathogenic in the context of glycogen storage disease, PYGM-related. This variant is predicted to lead to an abnormal or absent protein product due to the creation of a premature termination codon in PYGM, a gene where loss-of-function variants are known to be pathogenic. Please note: this variant was assessed in the context of healthy population screening.